The following is an entry in ClinVar:

ClinVar aggregate classification (germline): Likely pathogenic (1 of 4 stars; one submission).

Conditions:
Carney complex, type 1 (CNC1). Also called: CARNEY COMPLEX, TYPE I; CARNEY MYXOMA-ENDOCRINE COMPLEX. Identifiers: Orphanet 1359, MedGen C2607929, MONDO:0008057, OMIM 160980.

Submission:

Labcorp Genetics (formerly Invitae), Labcorp
Classification: Likely pathogenic for Carney complex, type 1. Last evaluated: 2024-08-20. Review status: criteria provided, single submitter. Criteria: Invitae Variant Classification Sherloc (09022015). Collection method: clinical testing. Allele origin: germline.
Comment: This sequence change affects a donor splice site in intron 3 of the PRKAR1A gene. It is expected to disrupt RNA splicing. Variants that disrupt the donor or acceptor splice site typically lead to a loss of protein function (PMID: 16199547), and loss-of-function variants in PRKAR1A are known to be pathogenic (PMID: 11115848, 19293268). This variant is not present in population databases (gnomAD no frequency). Disruption of this splice site has been observed in individual(s) with Carney complex (PMID: 11115848). Algorithms developed to predict the effect of sequence changes on RNA splicing suggest that this variant may disrupt the consensus splice site. In summary, the currently available evidence indicates that the variant is pathogenic, but additional data are needed to prove that conclusively. Therefore, this variant has been classified as Likely Pathogenic.

Literature cited by the submitters: PubMed 16199547; PubMed 11115848; PubMed 19293268.

NM_002734.5(PRKAR1A):c.348+1G>C

Gene: PRKAR1A (protein kinase cAMP-dependent type I regulatory subunit alpha; plus strand). Cytogenetic location: 17q24.2.
Variant type: single nucleotide variant.
Coding change: c.348+1G>C on transcript NM_002734.5 (MANE Select); the canonical splice donor site of the intron after coding-DNA position 348, G replaced by C.
Molecular consequence: splice donor variant.
Genome position (GRCh38, 1-based): chr17:68,522,927, G>C. VCF-style: chr17-68522927-G-C. GRCh37 (hg19) VCF-style: chr17-66519068-G-C.
Other names: c.348+1G>C (NM_001278433.2, NM_001369389.1, NM_212471.3 and 4 more transcripts).
Identifiers: ClinVar variation 3722912 (VCV003722912.2), dbSNP rs281864797.
Genomic context (GRCh38, chr17:68,522,927, plus strand): 5'-CGAGGTGCTATCAGCGCTGAGGTCTACACGGAGGAAGATGCGGCATCCTATGTTAGAAAG[G>C]TAGTTTTGATATTTGAATATCGGGGGGATGCTTTTGGGACCCACTTGGTGGTCATCTAGT-3'